The following is an entry in ClinVar:

ClinVar aggregate classification (germline): Likely pathogenic (1 of 4 stars; one submission).

Conditions:
PKD1-Biallelic Autosomal Recessive Polycystic Kidney Disease.

Submission:

Women's Health and Genetics/Laboratory Corporation of America, LabCorp
Classification: Likely pathogenic for PKD1-Biallelic Autosomal Recessive Polycystic Kidney Disease. Last evaluated: 2025-03-26. Review status: criteria provided, single submitter. Criteria: LabCorp Variant Classification Summary - May 2015. Collection method: clinical testing. Allele origin: germline.
Comment: Variant summary: PKD1 c.8914_(8948+1_8949-1)del involves the deletion of the C-terminal part of exon 24, spanning a canonical splice-site. Variants that disrupt the consensus splice site are a relatively common cause of aberrant splicing and loss of PKD1 function. The variant was absent in 120764 control chromosomes in the gnomAD database (Structural Variants v4.1 dataset). To our knowledge, no occurrence of c.8914_(8948+1_8949-1)del in individuals affected with PKD1-Biallelic Autosomal Recessive Polycystic Kidney Disease and no experimental evidence demonstrating its impact on protein function have been reported. No submitters have cited clinical-significance assessments for this variant to ClinVar. Based on the evidence outlined above, the variant was classified as likely pathogenic.

NM_001009944.3:c.8914_(8948+1_8949-1)del

Gene: PKD1 (polycystin 1, transient receptor potential channel interacting; minus strand).
Variant type: Deletion.
Other names: c.8914_(8948+1_8949-1)del (NM_001009944.3).
Identifiers: ClinVar variation 3895934 (VCV003895934.1).